The following is an entry in ClinVar:

NM_004304.5(ALK):c.1662G>A (p.Trp554Ter)

Gene: ALK (ALK receptor tyrosine kinase; minus strand). Cytogenetic location: 2p23.2.
Variant type: single nucleotide variant.
Coding change: c.1662G>A on transcript NM_004304.5 (MANE Select); coding-DNA position 1662, G replaced by A.
Protein change: p.Trp554Ter; replaces tryptophan 554 with a stop codon.
Molecular consequence: nonsense.
Genome position (GRCh38, 1-based): chr2:29,297,043, C>T on the plus strand (G>A on the coding strand, the complement: ALK is on the minus strand). VCF-style: chr2-29297043-C-T. GRCh37 (hg19) VCF-style: chr2-29519909-C-T.
Other names: short protein forms W554*.
Identifiers: ClinVar variation 662447 (VCV000662447.6), dbSNP rs1573203754, ClinGen allele CA346466663.
Genomic context (GRCh38, chr2:29,297,043, plus strand): 5'-CCCGGTTTTGTTCTCCACTAGCACCAAGGACACGTTTCCCCTCAAGACTCCACGAATGAG[C>T]CAGGACATTCGGAGCTGTGAGGGCGAGAAGAGTCAGAGGACAAGGTATGATTGCTGAAAG-3'

ClinVar aggregate classification (germline): Uncertain significance (1 of 4 stars; one submission).

Conditions:
Neuroblastoma, susceptibility to, 3. Also called: ALK-Related Neuroblastic Tumor Susceptibility. Identifiers: Orphanet 635, MedGen C2751681, MONDO:0013083, OMIM 613014.

Submission:

Labcorp Genetics (formerly Invitae), Labcorp
Classification: Uncertain significance for Neuroblastoma, susceptibility to, 3. Last evaluated: 2022-09-01. Review status: criteria provided, single submitter. Criteria: Invitae Variant Classification Sherloc (09022015). Collection method: clinical testing. Allele origin: germline.
Comment: This sequence change creates a premature translational stop signal (p.Trp554*) in the ALK gene. It is expected to result in an absent or disrupted protein product. However, the current clinical and genetic evidence is not sufficient to establish whether loss-of-function variants in ALK cause disease. This variant is not present in population databases (gnomAD no frequency). This variant has not been reported in the literature in individuals affected with ALK-related conditions. ClinVar contains an entry for this variant (Variation ID: 662447). In summary, the available evidence is currently insufficient to determine the role of this variant in disease. Therefore, it has been classified as a Variant of Uncertain Significance.